The following is an entry in ClinVar:

NM_031471.6(FERMT3):c.27G>A (p.Gly9=)

Gene: FERMT3 (FERM domain containing kindlin 3; plus strand). Cytogenetic location: 11q13.1.
Variant type: single nucleotide variant.
Coding change: c.27G>A on transcript NM_031471.6 (MANE Select); coding-DNA position 27, G replaced by A.
Protein change: p.Gly9=; no amino-acid change (glycine 9 retained).
Molecular consequence: synonymous variant.
Genome position (GRCh38, 1-based): chr11:64,207,391, G>A. VCF-style: chr11-64207391-G-A. GRCh37 (hg19) VCF-style: chr11-63974863-G-A.
Other names: c.27G>A, p.Gly9= (NM_001382361.1, NM_001382362.1, NM_001382448.1 and 1 more transcripts).
Identifiers: ClinVar variation 3039540 (VCV003039540.2), dbSNP rs147987989, ClinGen allele CA6068611.

ClinVar aggregate classification (germline): Likely benign (0 of 4 stars; one submission).

Conditions:
FERMT3-related disorder. Also called: FERMT3-related condition.

Allele frequency attached by ClinVar (database versions not stated): ExAC 0.00002; ESP Exome Variant Server 0.00008.
gnomAD v4.1: 9 of 1,614,068 alleles (0.00056%); highest among the groups gnomAD compares: African/African-American, 0.011%; no homozygotes.

Submission:

PreventionGenetics, part of Exact Sciences
Classification: Likely benign for FERMT3-related condition. Last evaluated: 2019-05-23. Review status: no assertion criteria provided. Collection method: clinical testing. Allele origin: germline.
Comment: This variant is classified as likely benign based on ACMG/AMP sequence variant interpretation guidelines (Richards et al. 2015 PMID: 25741868, with internal and published modifications).